The following is an entry in ClinVar:

ClinVar aggregate classification (germline): Benign. Review status: criteria provided, multiple submitters, no conflicts (2 of 4 stars). 7 submissions from 7 submitters: Benign (5). 2 of the submissions do not count toward it. Last evaluated 2026-02-04.

Allele frequency attached by ClinVar (database versions not stated): ExAC 0.85312; ESP Exome Variant Server 0.84538; gnomAD exomes 0.85296 and 0.84207; gnomAD 0.83814 and 0.83967; 1000 Genomes Project 0.83407; 1000 Genomes Project 30x 0.83448; TOPMed 0.83566.
gnomAD v4.1: 1,362,487 of 1,599,948 alleles (85%); highest among the groups gnomAD compares: South Asian, 88%; 580,701 homozygotes.

Submissions (7):

Labcorp Genetics (formerly Invitae), Labcorp
Classification: Benign. Last evaluated: 2026-02-04. Review status: criteria provided, single submitter. Criteria: Invitae Variant Classification Sherloc (09022015). Collection method: clinical testing. Allele origin: germline.

Mayo Clinic Laboratories, Mayo Clinic
Classification: Benign. Last evaluated: 2020-08-28. Review status: criteria provided, single submitter. Criteria: ACMG Guidelines, 2015. Collection method: clinical testing. Allele origin: germline. Observed: 156 variant alleles.

GeneDx
Classification: Benign. Last evaluated: 2017-05-09. Review status: criteria provided, single submitter. Criteria: GeneDx Variant Classification (06012015). Collection method: clinical testing. Allele origin: germline. Affected: yes.
Comment: This variant is considered likely benign or benign based on one or more of the following criteria: it is a conservative change, it occurs at a poorly conserved position in the protein, it is predicted to be benign by multiple in silico algorithms, and/or has population frequency not consistent with disease.

Laboratory for Molecular Medicine, Mass General Brigham Personalized Medicine
Classification: Benign. Last evaluated: 2014-11-24. Review status: criteria provided, single submitter. Criteria: LMM Criteria. Collection method: clinical testing. Allele origin: germline. Observed: 994 variant alleles.
Comment: Ile1840Val in exon 45 of OTOGL: This variant is not expected to have clinical si gnificance because it has been identified in 18.5% (722/3896) of African America n chromosomes from a broad population by the NHLBI Exome Sequencing Project (dbSNP rs7297767).

Breakthrough Genomics
Classification: Benign. Review status: criteria provided, single submitter. Criteria: ACMG Guidelines, 2015. Collection method: not provided. Allele origin: germline. Inheritance: Autosomal recessive inheritance. Affected: yes.

Diagnostic Laboratory, Department of Genetics, University Medical Center Groningen
Classification: Benign. Review status: no assertion criteria provided. Collection method: clinical testing. Allele origin: germline. Affected: yes. Study: VKGL Data-share Consensus. Not counted in ClinVar's aggregate classification.

Joint Genome Diagnostic Labs from Nijmegen and Maastricht, Radboudumc and MUMC+
Classification: Benign. Review status: no assertion criteria provided. Collection method: clinical testing. Allele origin: germline. Affected: yes. Study: VKGL Data-share Consensus. Not counted in ClinVar's aggregate classification.

NM_001378609.3(OTOGL):c.5545A>G (p.Ile1849Val)

Gene: OTOGL (otogelin like; plus strand). Cytogenetic location: 12q21.31.
Variant type: single nucleotide variant.
Coding change: c.5545A>G on transcript NM_001378609.3 (MANE Select); coding-DNA position 5545, A replaced by G.
Protein change: p.Ile1849Val; replaces isoleucine 1849 with valine.
Molecular consequence: missense variant.
Genome position (GRCh38, 1-based): chr12:80,353,462, A>G. VCF-style: chr12-80353462-A-G. GRCh37 (hg19) VCF-style: chr12-80747242-A-G.
Other names: c.5410A>G, p.Ile1804Val (NM_001368062.3); c.5545A>G, p.Ile1849Val (NM_001378610.3, NM_173591.7); short protein forms I1840V, I1804V, I1849V.
Identifiers: ClinVar variation 226957 (VCV000226957.20), dbSNP rs7297767, ClinGen allele CA6701733.